The following is an entry in ClinVar:

NM_000051.4(ATM):c.7327C>T (p.Arg2443Ter)

Genes: ATM (ATM serine/threonine kinase; plus strand), C11orf65 (chromosome 11 open reading frame 65; minus strand). Cytogenetic location: 11q22.3.
Variant type: single nucleotide variant.
Coding change: c.7327C>T on transcript NM_000051.4 (MANE Select); coding-DNA position 7327, C replaced by T.
Protein change: p.Arg2443Ter; replaces arginine 2443 with a stop codon.
Molecular consequence: nonsense. On other transcripts: intron variant (2).
Genome position (GRCh38, 1-based): chr11:108,330,233, C>T. VCF-style: chr11-108330233-C-T. GRCh37 (hg19) VCF-style: chr11-108200960-C-T.
Other names: c.7327C>T, p.Arg2443Ter (NM_001351834.2); c.641-21162G>A (NM_001330368.2); c.*38+4987G>A (NM_001351110.2); short protein forms R2443*.
Identifiers: ClinVar variation 3036 (VCV000003036.85), dbSNP rs121434220, ClinGen allele CA325513.

ClinVar aggregate classification (germline): Pathogenic. Review status: criteria provided, multiple submitters, no conflicts (2 of 4 stars). 28 submissions from 27 submitters: Pathogenic (23). 5 of the submissions do not count toward it. Last evaluated 2026-06-01.
ClinVar aggregate classification (oncogenicity): Likely oncogenic (1 of 4 stars; one submission).

Conditions:
ATM-related cancer predisposition. Also called: ATM-related cancer susceptibility. Identifiers: MedGen CN377759, MONDO:0700270.
ATM-related disorder. Also called: ATM-related disorders; ATM-related condition.
Hereditary cancer-predisposing syndrome. Also called: Neoplastic Syndromes, Hereditary; Tumor predisposition; Hereditary Cancer Syndrome; Hereditary neoplastic syndrome. Identifiers: Orphanet 140162, MedGen C0027672, MeSH D009386, MONDO:0015356.
Breast and/or ovarian cancer. Identifiers: MedGen CN221562.
Carcinoma of pancreas. Also called: Pancreatic carcinoma, somatic; PANCREATIC ACINAR CARCINOMA; PANCREATIC CARCINOMA; Exocrine pancreatic carcinoma; Pancreatic cancer, somatic. Identifiers: Orphanet 1333, Orphanet 217074, MedGen C0235974, MONDO:0005192. Disease mechanism: loss of function.
Hereditary breast ovarian cancer syndrome. Also called: Hereditary breast and ovarian cancer; Hereditary breast and ovarian cancer syndrome; Hereditary breast and ovarian cancer syndrome (HBOC); Hereditary breast and/or ovarian cancer syndrome; Breast and ovarian cancer; BRCA1- and BRCA2-Associated Hereditary Breast and Ovarian Cancer. Identifiers: Orphanet 145, MedGen C0677776, MeSH D061325, MONDO:0003582. Disease mechanism: loss of function.
Ataxia-telangiectasia syndrome (AT). Also called: Ataxia-telangiectasia, complementation group E; LOUIS-BAR SYNDROME; AT, COMPLEMENTATION GROUP C; Cerebello-oculocutaneous telangiectasia; Immunodeficiency with ataxia telangiectasia; ATAXIA-TELANGIECTASIA, COMPLEMENTATION GROUP A. Identifiers: Orphanet 100, MedGen C0004135, MONDO:0008840, OMIM 208900.
Familial cancer of breast. Also called: Hereditary breast cancer; BREAST CANCER, FAMILIAL; hereditary breast carcinoma. Identifiers: Orphanet 227535, MedGen C0346153, MONDO:0016419, OMIM 114480. Disease mechanism: loss of function.
Tip-toe gait. Also called: Toe walking. Identifiers: MedGen C0427144, HP:0030051.
Neoplasm. Also called: tumor; Neoplasms; Neoplasm (disease). Identifiers: MedGen C0027651, MeSH D009369, MONDO:0005070, HP:0002664.

Allele frequency attached by ClinVar (database versions not stated): gnomAD exomes below 0.00001; TOPMed 0.00001.
gnomAD v4.1: 6 of 1,614,054 alleles (0.00037%); highest among the groups gnomAD compares: Non-Finnish European, 0.00051%; no homozygotes.

Submissions 1 to 12 of 29:

CeGaT Center for Human Genetics Tuebingen
Classification: Pathogenic. Last evaluated: 2026-06-01. Review status: criteria provided, single submitter. Criteria: CeGaT Center For Human Genetics Tuebingen Variant Classification Criteria Version 2. Collection method: clinical testing. Allele origin: germline. Affected: yes. Observed: 5 variant alleles.
Comment: ATM: PVS1, PS4:Moderate, PM2:Supporting

Labcorp Genetics (formerly Invitae), Labcorp
Classification: Pathogenic for Ataxia-telangiectasia syndrome. Last evaluated: 2026-01-26. Review status: criteria provided, single submitter. Criteria: Invitae Variant Classification Sherloc (09022015). Collection method: clinical testing. Allele origin: germline.
Comment: This sequence change creates a premature translational stop signal (p.Arg2443*) in the ATM gene. It is expected to result in an absent or disrupted protein product. Loss-of-function variants in ATM are known to be pathogenic (PMID: 23807571, 25614872). This variant is present in population databases (rs121434220, gnomAD 0.0009%). This premature translational stop signal has been observed in individual(s) with ataxia-telangiectasia and prostate, breast, and pancreatic cancer (PMID: 8808599, 9887333, 10817650, 14586414, 21833744, 24556621, 26483394, 26822949). ClinVar contains an entry for this variant (Variation ID: 3036). Studies have shown that this premature translational stop signal alters ATM gene expression (PMID: 14970866, 15101044). RNA analysis performed to evaluate the impact of this premature translational stop signal on mRNA splicing indicates it does not significantly alter splicing (internal data). For these reasons, this variant has been classified as Pathogenic.

Institute of Human Genetics, University of Leipzig Medical Center
Classification: Pathogenic for Familial cancer of breast. Last evaluated: 2025-12-16. Review status: criteria provided, single submitter. Criteria: ACMG Guidelines, 2015. Collection method: clinical testing. Allele origin: unknown. Inheritance: Autosomal dominant inheritance. Affected: yes.
Comment: Criteria applied: PVS1,PM3_STR,PM2_SUP,PM5_SUP

Color Diagnostics, LLC DBA Color Health
Classification: Pathogenic for Hereditary cancer-predisposing syndrome. Last evaluated: 2025-11-06. Review status: criteria provided, single submitter. Criteria: ACMG Guidelines, 2015. Collection method: clinical testing. Allele origin: germline.
Comment: This variant changes 1 nucleotide in exon 50 of the ATM gene, creating a premature translation stop signal. This variant is expected to result in an absent or non-functional protein product. This variant has been reported in individuals affected with breast cancer (PMID: 26822949, 33919281, 34680878), pancreatic cancer (PMID: 26483394), and gastroesophageal junction adenocarcinoma (PMID: 35078243). This variant has also been observed in individuals affected with ataxia-telangiectasia in the homozygous state (PMID: 34337741) and the compound heterozygous state with a pathogenic truncation variant (PMID: 10817650, 23454770). This variant has been identified in 1/251068 chromosomes in the general population by the Genome Aggregation Database (gnomAD). Loss of ATM function is a known mechanism of disease. Based on the available evidence, this variant is classified as Pathogenic.

Ambry Genetics
Classification: Pathogenic for Hereditary cancer-predisposing syndrome. Last evaluated: 2025-04-12. Review status: criteria provided, single submitter. Criteria: Ambry Variant Classification Scheme 2023. Collection method: clinical testing. Allele origin: germline.
Comment: The p.R2443* pathogenic mutation (also known as c.7327C>T), located in coding exon 49 of the ATM gene, results from a C to T substitution at nucleotide position 7327. This changes the amino acid from an arginine to a stop codon within coding exon 49. This mutation has been reported in numerous individuals with ataxia-telangiectasia (AT) (Wright J et al. Am. J. Hum. Genet. 1996 Oct;59:839-46; Guti&eacute;rrez-Enr&iacute;quez S et al. Genes Chromosomes Cancer 2004 Jun;40:109-19; Sandoval N et al. Hum. Mol. Genet. 1999 Jan;8:69-79; Li A et al. Am. J. Med. Genet. 2000 May;92:170-7; Tariq H et al. J Clin Neurol 2018 Oct;14(4):498-504). This mutation has also been reported in a prostate cancer kindred in which it segregated with disease in an affected brother (Leongamornlert D et al. Br. J. Cancer 2014 Mar;110:1663-72), in 2/325 high-risk Czech breast cancer patients (Lhota F et al. Clin. Genet. 2016 Oct;90:324-33), and in 1/96 individuals with a personal and family history of pancreatic cancer (Hu C. et al. Cancer Epidemiol. Biomarkers Prev. 2016 Jan;25(1):207-11). This variant is considered to be rare based on population cohorts in the Genome Aggregation Database (gnomAD). In addition to the clinical data presented in the literature, this alteration is expected to result in loss of function by premature protein truncation or nonsense-mediated mRNA decay. As such, this alteration is interpreted as a disease-causing mutation.

Center for Genomic Medicine, Rigshospitalet, Copenhagen University Hospital
Classification: Likely oncogenic for Neoplasm. Last evaluated: 2025-03-04. Review status: criteria provided, single submitter. Criteria: ClinGen/CGC/VICC Guidelines for Oncogenicity, 2022. Collection method: clinical testing. Allele origin: somatic. Affected: yes.

Molecular Pathology, Peter Maccallum Cancer Centre
Classification: Pathogenic for Ataxia-telangiectasia syndrome. Last evaluated: 2025-02-24. Review status: criteria provided, single submitter. Criteria: ACMG Guidelines, 2015. Collection method: clinical testing. Allele origin: germline. Inheritance: Autosomal recessive inheritance.

German Consortium for Hereditary Breast and Ovarian Cancer, University Hospital Cologne
Classification: Pathogenic for Hereditary breast ovarian cancer syndrome. Last evaluated: 2024-12-10. Review status: criteria provided, single submitter. Criteria: ClinGen ATM V1.3.0. Collection method: curation. Allele origin: germline.
Comment: According to the ClinGen ACMG ATM v1.3.0 criteria we chose these criteria: PVS1 (very strong pathogenic): see ATM PVS1 decision tree downstream of codon 2980, PM2 (supporting pathogenic): gnomAD v2.1.1 non-cancer: 0.000004227; v3.1.2 not found, PM3 (strong pathogenic): The c.7327C>T ATM variant has been reported in multiple individuals with Ataxia-telangiectasia who are compound heterozygous for a second ATM pathogenic variant (Soukupova 2011, Delia 2003, Li 2000, Sandoval 1999, Wright 1996). Thus, this variant is interpreted as pathogenic., PM5 (supporting pathogenic): Truncating upstream p.Arg3047

Institute for Biomarker Research, Medical Diagnostic Laboratories, L.L.C.
Classification: Pathogenic for Hereditary cancer-predisposing syndrome. Last evaluated: 2024-07-09. Review status: criteria provided, single submitter. Criteria: ACMG Guidelines, 2015. Collection method: clinical testing. Allele origin: germline.

Myriad Genetics, Inc.
Classification: Pathogenic for Familial cancer of breast. Last evaluated: 2024-01-31. Review status: criteria provided, single submitter. Criteria: Myriad Autosomal Dominant, Autosomal Recessive and X-Linked Classification Criteria (2023). Collection method: clinical testing. Allele origin: unknown.
Comment: This variant is considered pathogenic. This variant creates a termination codon and is predicted to result in premature protein truncation.

Baylor Genetics
Classification: Pathogenic for Familial cancer of breast. Last evaluated: 2024-01-11. Review status: criteria provided, single submitter. Criteria: ACMG Guidelines, 2015. Collection method: clinical testing. Allele origin: unknown.

Institute of Human Genetics, FAU Erlangen, Friedrich-Alexander-Universität Erlangen-Nürnberg
Classification: Pathogenic. Last evaluated: 2023-11-22. Review status: criteria provided, single submitter. Criteria: Hauer et al. (Genet Med. 2018). Collection method: clinical testing. Allele origin: germline. Inheritance: Unknown mechanism. Affected: yes. Observed: 1 variant allele.
Comment: This variant has been identified by standard clinical testing.